The following is an entry in ClinVar:

ClinVar aggregate classification (germline): Uncertain significance (1 of 4 stars; one submission).

Allele frequency attached by ClinVar (database versions not stated): gnomAD exomes below 0.00001; TOPMed 0.00002.
gnomAD v4.1: 1 of 1,614,182 alleles (0.000062%); highest among the groups gnomAD compares: African/African-American, 0.0013%; no homozygotes.

Submission:

Women's Health and Genetics/Laboratory Corporation of America, LabCorp
Classification: Uncertain significance. Last evaluated: 2024-03-28. Review status: criteria provided, single submitter. Criteria: LabCorp Variant Classification Summary - May 2015. Collection method: clinical testing. Allele origin: germline.
Comment: Variant summary: ZNF462 c.4036G>A (p.Ala1346Thr) results in a non-conservative amino acid change in the encoded protein sequence. Four of five in-silico tools predict a damaging effect of the variant on protein function. The variant was absent in 251458 control chromosomes. The available data on variant occurrences in the general population are insufficient to allow any conclusion about variant significance. To our knowledge, no occurrence of c.4036G>A in individuals affected with Weiss-Kruszka Syndrome and no experimental evidence demonstrating its impact on protein function have been reported. No submitters have cited clinical-significance assessments for this variant to ClinVar. Based on the evidence outlined above, the variant was classified as uncertain significance.

NM_021224.6(ZNF462):c.4036G>A (p.Ala1346Thr)

Gene: ZNF462 (zinc finger protein 462; plus strand). Cytogenetic location: 9q31.2.
Variant type: single nucleotide variant.
Coding change: c.4036G>A on transcript NM_021224.6 (MANE Select); coding-DNA position 4036, G replaced by A.
Protein change: p.Ala1346Thr; replaces alanine 1346 with threonine.
Molecular consequence: missense variant. On other transcripts: intron variant (1).
Genome position (GRCh38, 1-based): chr9:106,927,948, G>A. VCF-style: chr9-106927948-G-A. GRCh37 (hg19) VCF-style: chr9-109690229-G-A.
Other names: c.3252+784G>A (NM_001347997.2); short protein forms A1346T.
Identifiers: ClinVar variation 3233666 (VCV003233666.2), dbSNP rs950361463, ClinGen allele CA197490259.
Genomic context (GRCh38, chr9:106,927,948, plus strand): 5'-GGTTTGCTCCTGCATTACCAACGGAGGCATCCAGAACACTATGTTGATTACACCTACATG[G>A]CTACTAAACTGTGGGCTGGGCCAGACCCATCCCCTCCCTCTCTCACAATGCCAGCCGAAG-3'
Protein context (NP_067047.4, residues 1336-1356): PEHYVDYTYM[Ala1346Thr]TKLWAGPDPS